The following is an entry in ClinVar:

ClinVar aggregate classification (germline): Uncertain significance (1 of 4 stars; one submission).

Conditions:
RYR1-related disorder. Also called: RYR1-related condition; RYR1-related disorders. Identifiers: MedGen CN239331.

gnomAD v4.1: 11 of 1,613,698 alleles (0.00068%); highest among the groups gnomAD compares: Non-Finnish European, 0.00093%; no homozygotes.

Submission:

Labcorp Genetics (formerly Invitae), Labcorp
Classification: Uncertain significance for RYR1-related disorder. Last evaluated: 2025-12-21. Review status: criteria provided, single submitter. Criteria: Invitae Variant Classification Sherloc (09022015). Collection method: clinical testing. Allele origin: germline.
Comment: This sequence change replaces phenylalanine, which is neutral and non-polar, with serine, which is neutral and polar, at codon 1747 of the RYR1 protein (p.Phe1747Ser). This variant is not present in population databases (gnomAD no frequency). This variant has not been reported in the literature in individuals affected with RYR1-related conditions. Invitae Evidence Modeling of protein sequence and biophysical properties (such as structural, functional, and spatial information, amino acid conservation, physicochemical variation, residue mobility, and thermodynamic stability) indicates that this missense variant is not expected to disrupt RYR1 protein function with a negative predictive value of 80%. In summary, the available evidence is currently insufficient to determine the role of this variant in disease. Therefore, it has been classified as a Variant of Uncertain Significance.

NM_000540.3(RYR1):c.5240T>C (p.Phe1747Ser)

Gene: RYR1 (ryanodine receptor 1; plus strand). Cytogenetic location: 19q13.2.
Variant type: single nucleotide variant.
Coding change: c.5240T>C on transcript NM_000540.3 (MANE Select); coding-DNA position 5240, T replaced by C.
Protein change: p.Phe1747Ser; replaces phenylalanine 1747 with serine.
Molecular consequence: missense variant.
Genome position (GRCh38, 1-based): chr19:38,485,895, T>C. VCF-style: chr19-38485895-T-C. GRCh37 (hg19) VCF-style: chr19-38976535-T-C.
Other names: c.5240T>C, p.Phe1747Ser (NM_001042723.2); short protein forms F1747S.
Identifiers: ClinVar variation 4759720 (VCV004759720.1).